The following is an entry in ClinVar:

NM_002234.4(KCNA5):c.550C>T (p.Arg184Cys)

Gene: KCNA5 (potassium voltage-gated channel subfamily A member 5; plus strand). Cytogenetic location: 12p13.32.
Variant type: single nucleotide variant.
Coding change: c.550C>T on transcript NM_002234.4 (MANE Select); coding-DNA position 550, C replaced by T.
Protein change: p.Arg184Cys; replaces arginine 184 with cysteine.
Molecular consequence: missense variant.
Genome position (GRCh38, 1-based): chr12:5,044,697, C>T. VCF-style: chr12-5044697-C-T. GRCh37 (hg19) VCF-style: chr12-5153863-C-T.
Other names: short protein forms R184C.
Identifiers: ClinVar variation 4709079 (VCV004709079.1).

ClinVar aggregate classification (germline): Uncertain significance (1 of 4 stars; one submission).

Conditions:
Atrial fibrillation, familial, 7 (ATFB7). Identifiers: MedGen C2677106, MONDO:0012828, OMIM 612240.

Submission:

Labcorp Genetics (formerly Invitae), Labcorp
Classification: Uncertain significance for Atrial fibrillation, familial, 7. Last evaluated: 2025-04-27. Review status: criteria provided, single submitter. Criteria: Invitae Variant Classification Sherloc (09022015). Collection method: clinical testing. Allele origin: germline.
Comment: This sequence change replaces arginine, which is basic and polar, with cysteine, which is neutral and slightly polar, at codon 184 of the KCNA5 protein (p.Arg184Cys). This variant is present in population databases (rs748455176, gnomAD 0.02%). This variant has not been reported in the literature in individuals affected with KCNA5-related conditions. Invitae Evidence Modeling of protein sequence and biophysical properties (such as structural, functional, and spatial information, amino acid conservation, physicochemical variation, residue mobility, and thermodynamic stability) indicates that this missense variant is expected to disrupt KCNA5 protein function with a positive predictive value of 80%. In summary, the available evidence is currently insufficient to determine the role of this variant in disease. Therefore, it has been classified as a Variant of Uncertain Significance.